The following is an entry in ClinVar:

NM_001943.5(DSG2):c.3113T>C (p.Ile1038Thr)

Genes: DSG2 (desmoglein 2; plus strand), DSG2-AS1 (DSG2 antisense RNA 1; minus strand). Cytogenetic location: 18q12.1.
Variant type: single nucleotide variant.
Coding change: c.3113T>C on transcript NM_001943.5 (MANE Select); coding-DNA position 3113, T replaced by C.
Protein change: p.Ile1038Thr; replaces isoleucine 1038 with threonine.
Molecular consequence: missense variant.
Genome position (GRCh38, 1-based): chr18:31,546,499, T>C. VCF-style: chr18-31546499-T-C. GRCh37 (hg19) VCF-style: chr18-29126462-T-C.
Other names: c.3113T>C (NM_001943.3); short protein forms I1038T.
Identifiers: ClinVar variation 925580 (VCV000925580.10), dbSNP rs543979536, ClinGen allele CA047933.
Genomic context (GRCh38, chr18:31,546,499, plus strand): 5'-AAAGAGAGAGCTTCCTTGCCCCCAGCTCAGGTGTGCAGCCTACTCTGGCCATGCCTAATA[T>C]AGCAGTAGGACAGAATGTGACAGTGACAGAAAGAGTTCTAGCACCTGCTTCCACTCTGCA-3'
Protein context (NP_001934.2, residues 1028-1048): GVQPTLAMPN[Ile1038Thr]AVGQNVTVTE

ClinVar aggregate classification (germline): Conflicting classifications of pathogenicity. Review status: criteria provided, conflicting classifications (1 of 4 stars). 4 submissions from 4 submitters: Uncertain significance (3); Likely benign (1). Last evaluated 2024-12-23.

Conditions:
Cardiomyopathy (CMYO). Also called: Cardiomyopathies. Identifiers: Orphanet 167848, MedGen C0878544, MONDO:0004994, HP:0001638. Inheritance: Various modes of inheritance.
Cardiovascular phenotype. Identifiers: MedGen CN230736.
Arrhythmogenic right ventricular cardiomyopathy (ARVD). Also called: Arrhythmogenic cardiomyopathy; Cardiomyopathy, ARVC; Arrhythmogenic right ventricular dysplasia; Arrhythmogenic Right Ventricular Cardiomyopathy (ARVC). Identifiers: Orphanet 247, MedGen C0349788, MeSH D019571, MONDO:0016587. Disease mechanism: loss of function. Inheritance: Various modes of inheritance.
Arrhythmogenic right ventricular dysplasia 10. Also called: Arrhythmogenic Right Ventricular Dysplasia/Cardiomyopathy10; ARRHYTHMOGENIC RIGHT VENTRICULAR DYSPLASIA, FAMILIAL, 10; Arrhythmogenic right ventricular dysplasia/cardiomyopathy, type 10. Identifiers: MedGen C1857777, MONDO:0012434, OMIM 610193.

Allele frequency attached by ClinVar (database versions not stated): gnomAD exomes below 0.00001 and 0.00002; gnomAD 0.00001; ExAC 0.00002; TOPMed 0.00002; 1000 Genomes Project 30x 0.00016; 1000 Genomes Project 0.00020.
gnomAD v4.1: 9 of 1,614,186 alleles (0.00056%); highest among the groups gnomAD compares: East Asian, 0.02%; no homozygotes.

Submissions (4):

Labcorp Genetics (formerly Invitae), Labcorp
Classification: Uncertain significance for Arrhythmogenic right ventricular dysplasia 10. Last evaluated: 2024-12-23. Review status: criteria provided, single submitter. Criteria: Invitae Variant Classification Sherloc (09022015). Collection method: clinical testing. Allele origin: germline.
Comment: This sequence change replaces isoleucine, which is neutral and non-polar, with threonine, which is neutral and polar, at codon 1038 of the DSG2 protein (p.Ile1038Thr). This variant is present in population databases (rs543979536, gnomAD 0.03%). This variant has not been reported in the literature in individuals affected with DSG2-related conditions. ClinVar contains an entry for this variant (Variation ID: 925580). Invitae Evidence Modeling of protein sequence and biophysical properties (such as structural, functional, and spatial information, amino acid conservation, physicochemical variation, residue mobility, and thermodynamic stability) indicates that this missense variant is not expected to disrupt DSG2 protein function with a negative predictive value of 95%. In summary, the available evidence is currently insufficient to determine the role of this variant in disease. Therefore, it has been classified as a Variant of Uncertain Significance.

All of Us Research Program, National Institutes of Health
Classification: Uncertain significance for Arrhythmogenic right ventricular cardiomyopathy. Last evaluated: 2024-05-14. Review status: criteria provided, single submitter. Criteria: ACMG Guidelines, 2015. Collection method: clinical testing. Allele origin: germline. Inheritance: Autosomal dominant inheritance. Observed: 4 variant alleles, 4 heterozygotes.
Comment: This missense variant replaces isoleucine with threonine at codon 1038 of the DSG2 protein. Computational prediction suggests that this variant may not impact protein structure and function (internally defined REVEL score threshold <= 0.5, PMID: 27666373). To our knowledge, functional studies have not been reported for this variant. This variant has not been reported in individuals affected with cardiovascular disorders in the literature. This variant has been identified in 7/280882 chromosomes in the general population by the Genome Aggregation Database (gnomAD). The available evidence is insufficient to determine the role of this variant in disease conclusively. Therefore, this variant is classified as a Variant of Uncertain Significance.

This study involves interpretation of variants in research participants for the purpose of population health screening. Participant phenotype was not available at the time of variant classification. Additional details can be found in publication PMID: 35346344, PMCID: PMC8962531

Color Diagnostics, LLC DBA Color Health
Classification: Uncertain significance for Cardiomyopathy. Last evaluated: 2024-03-06. Review status: criteria provided, single submitter. Criteria: ACMG Guidelines, 2015. Collection method: clinical testing. Allele origin: germline.
Comment: This missense variant replaces isoleucine with threonine at codon 1038 of the DSG2 protein. Computational prediction suggests that this variant may not impact protein structure and function (internally defined REVEL score threshold <= 0.5, PMID: 27666373). To our knowledge, functional studies have not been reported for this variant. This variant has not been reported in individuals affected with cardiovascular disorders in the literature. This variant has been identified in 7/280882 chromosomes in the general population by the Genome Aggregation Database (gnomAD). The available evidence is insufficient to determine the role of this variant in disease conclusively. Therefore, this variant is classified as a Variant of Uncertain Significance.

Ambry Genetics
Classification: Likely benign for Cardiovascular phenotype. Last evaluated: 2023-05-03. Review status: criteria provided, single submitter. Criteria: Ambry Variant Classification Scheme 2023. Collection method: clinical testing. Allele origin: germline.